The following is an entry in ClinVar:

NM_002863.5(PYGL):c.1827+11T>A

Gene: PYGL (glycogen phosphorylase L; minus strand). Cytogenetic location: 14q22.1.
Variant type: single nucleotide variant.
Coding change: c.1827+11T>A on transcript NM_002863.5 (MANE Select); 11 bases into the intron after coding-DNA position 1827, T replaced by A.
Molecular consequence: intron variant.
Genome position (GRCh38, 1-based): chr14:50,911,967, A>T on the plus strand (T>A on the coding strand, the complement: PYGL is on the minus strand). VCF-style: chr14-50911967-A-T. GRCh37 (hg19) VCF-style: chr14-51378685-A-T.
Other names: p.?; c.1725+11T>A (NM_001163940.2).
Identifiers: ClinVar variation 1533379 (VCV001533379.9), dbSNP rs189147741, ClinGen allele CA7183334.
Genomic context (GRCh38, chr14:50,911,967, plus strand): 5'-CAGCCATGATGAAGTAGAAGAATGGCAAGAGATTAGAGCCCTCAAGTCCCCATTGAATAG[A>T]TTCAACTTACTTTACCACCAATGATAACTGTCCTTGGCACGAATAACTTCTTAGGGTCTT-3'

ClinVar aggregate classification (germline): Benign/Likely benign. Review status: criteria provided, multiple submitters, no conflicts (2 of 4 stars). 2 submissions from 2 submitters: Benign (1); Likely benign (1). Last evaluated 2025-10-15.

Conditions:
Glycogen storage disease, type VI (GSD6). Also called: Glycogen storage disease type 6; Hepatic glycogen phosphorylase deficiency; PHOSPHORYLASE DEFICIENCY GLYCOGEN-STORAGE DISEASE OF LIVER; HERS DISEASE; Glycogen storage disease type 6, due to phosphorylation; GSD VI. Identifiers: Orphanet 369, MedGen C0017925, MONDO:0009294, OMIM 232700.

Allele frequency attached by ClinVar (database versions not stated): gnomAD exomes 0.00005 and 0.00010; ExAC 0.00013; ESP Exome Variant Server 0.00046; 1000 Genomes Project 30x 0.00047; gnomAD 0.00054 and 0.00055; 1000 Genomes Project 0.00060; TOPMed 0.00063.
gnomAD v4.1: 152 of 1,613,466 alleles (0.0094%); highest among the groups gnomAD compares: African/African-American, 0.19%; 1 homozygote.

Submissions (2):

Labcorp Genetics (formerly Invitae), Labcorp
Classification: Benign for Glycogen storage disease, type VI. Last evaluated: 2025-10-15. Review status: criteria provided, single submitter. Criteria: Invitae Variant Classification Sherloc (09022015). Collection method: clinical testing. Allele origin: germline.

Mayo Clinic Laboratories, Mayo Clinic
Classification: Likely benign. Last evaluated: 2024-12-23. Review status: criteria provided, single submitter. Criteria: ACMG Guidelines, 2015. Collection method: clinical testing. Allele origin: germline. Observed: 3 variant alleles.
Comment: BP4, BP7